The following is an entry in ClinVar:

ClinVar aggregate classification (germline): Uncertain significance (1 of 4 stars; one submission).

Conditions:
Fabry disease. Also called: Fabry's disease; ALPHA-GALACTOSIDASE A DEFICIENCY; ANDERSON-FABRY DISEASE; CERAMIDE TRIHEXOSIDASE DEFICIENCY; GLA DEFICIENCY; HEREDITARY DYSTOPIC LIPIDOSIS. Identifiers: Orphanet 324, MedGen C0002986, MONDO:0010526, OMIM 301500, HP:0001071. Disease mechanism: Fabry disease is due to inactivating mutations in the X-linked GLA gene resulting in deficiency of the enzyme Alpha Galactosidase-A., loss of function.

gnomAD v4.1: 1 of 1,208,087 alleles (0.000083%); no homozygotes.

Submission:

Genomenon, Inc
Classification: Uncertain significance for Fabry disease. Last evaluated: 2026-09-08. Review status: criteria provided, single submitter. Criteria: Genomenon Sequence Variant Interpretation Standards - Updated. Collection method: curation. Allele origin: germline. Affected: no.
Comment: GLA p.Ala285Thr (c.853G>A) is a missense variant that changes the amino acid at codon 285 from Alanine to Threonine. This variant has been reported in the published literature (PMID:37441486). The presence of pathogenic/likely pathogenic missense variant(s) at the same amino acid position indicates that this residue is likely important for protein function. It is absent or not present at a significant frequency in gnomAD. In silico models predict that this variant is possibly or probably damaging. In conclusion, we classify GLA p.Ala285Thr (c.853G>A) as a variant of uncertain significance.

Literature cited by the submitters: PubMed 37441486.

NM_000169.3(GLA):c.853G>A (p.Ala285Thr)

Genes: GLA (galactosidase alpha; minus strand), RPL36A-HNRNPH2 (RPL36A-HNRNPH2 readthrough; plus strand). Cytogenetic location: Xq22.1.
Variant type: single nucleotide variant.
Coding change: c.853G>A on transcript NM_000169.3 (MANE Select); coding-DNA position 853, G replaced by A.
Protein change: p.Ala285Thr; replaces alanine 285 with threonine.
Molecular consequence: missense variant. On other transcripts: non-coding transcript variant (3), intron variant (2).
Genome position (GRCh38, 1-based): chrX:101,398,516, C>T on the plus strand (G>A on the coding strand, the complement: GLA is on the minus strand). VCF-style: chrX-101398516-C-T. GRCh37 (hg19) VCF-style: chrX-100653504-C-T.
Other names: c.976G>A, p.Ala326Thr (NM_001406747.1); c.853G>A, p.Ala285Thr (NM_001406748.1); c.300+3059C>T (NM_001199973.2); c.177+6694C>T (NM_001199974.2); short protein forms A285T, A326T.
Identifiers: ClinVar variation 4974822 (VCV004974822.1).